The following is an entry in ClinVar:

NM_001999.4(FBN2):c.2329G>A (p.Asp777Asn)

Gene: FBN2 (fibrillin 2; minus strand). Cytogenetic location: 5q23.3.
Variant type: single nucleotide variant.
Coding change: c.2329G>A on transcript NM_001999.4 (MANE Select); coding-DNA position 2329, G replaced by A.
Protein change: p.Asp777Asn; replaces aspartic acid 777 with asparagine.
Molecular consequence: missense variant.
Genome position (GRCh38, 1-based): chr5:128,364,699, C>T on the plus strand (G>A on the coding strand, the complement: FBN2 is on the minus strand). VCF-style: chr5-128364699-C-T. GRCh37 (hg19) VCF-style: chr5-127700392-C-T.
Other names: short protein forms D777N.
Identifiers: ClinVar variation 1789686 (VCV001789686.6), dbSNP rs1187660210, ClinGen allele CA360768419.

ClinVar aggregate classification (germline): Uncertain significance. Review status: criteria provided, multiple submitters, no conflicts (2 of 4 stars). 3 submissions from 3 submitters: Uncertain significance (3). Last evaluated 2025-10-31.

Conditions:
Familial thoracic aortic aneurysm and aortic dissection (TAAD). Also called: Thoracic aortic aneurysms and dissections. Identifiers: Orphanet 91387, MedGen C4707243, MONDO:0019625.
Congenital contractural arachnodactyly (CCA). Also called: BEALS SYNDROME; Arthrogryposis, distal, type 9; Beals-Hecht syndrome. Identifiers: Orphanet 115, MedGen C0220668, MONDO:0007363, OMIM 121050.

Allele frequency attached by ClinVar (database versions not stated): gnomAD exomes below 0.00001; TOPMed 0.00001.
gnomAD v4.1: 3 of 1,612,946 alleles (0.00019%); highest among the groups gnomAD compares: Non-Finnish European, 0.00025%; no homozygotes.

Submissions (3):

Labcorp Genetics (formerly Invitae), Labcorp
Classification: Uncertain significance for Congenital contractural arachnodactyly. Last evaluated: 2025-10-31. Review status: criteria provided, single submitter. Criteria: Invitae Variant Classification Sherloc (09022015). Collection method: clinical testing. Allele origin: germline.
Comment: This sequence change replaces aspartic acid, which is acidic and polar, with asparagine, which is neutral and polar, at codon 777 of the FBN2 protein (p.Asp777Asn). This variant is not present in population databases (gnomAD no frequency). This variant has not been reported in the literature in individuals affected with FBN2-related conditions. ClinVar contains an entry for this variant (Variation ID: 1789686). Invitae Evidence Modeling of protein sequence and biophysical properties (such as structural, functional, and spatial information, amino acid conservation, physicochemical variation, residue mobility, and thermodynamic stability) indicates that this missense variant is not expected to disrupt FBN2 protein function with a negative predictive value of 80%. In summary, the available evidence is currently insufficient to determine the role of this variant in disease. Therefore, it has been classified as a Variant of Uncertain Significance.

Women's Health and Genetics/Laboratory Corporation of America, LabCorp
Classification: Uncertain significance. Last evaluated: 2025-06-02. Review status: criteria provided, single submitter. Criteria: LabCorp Variant Classification Summary - May 2015. Collection method: clinical testing. Allele origin: germline.
Comment: Variant summary: FBN2 c.2329G>A (p.Asp777Asn) results in a conservative amino acid change in the encoded protein sequence. Algorithms developed to predict the effect of missense changes on protein structure and function are either unavailable or do not agree on the potential impact of this missense change. The variant was absent in 251146 control chromosomes. The available data on variant occurrences in the general population are insufficient to allow any conclusion about variant significance. To our knowledge, no occurrence of c.2329G>A in individuals affected with Nonsyndromic Heritable Thoracic Aortic Aneurysms And Dissections and no experimental evidence demonstrating its impact on protein function have been reported. ClinVar contains an entry for this variant (Variation ID: 1789686). Based on the evidence outlined above, the variant was classified as uncertain significance.

Ambry Genetics
Classification: Uncertain significance for Familial thoracic aortic aneurysm and aortic dissection. Last evaluated: 2021-10-14. Review status: criteria provided, single submitter. Criteria: Ambry Variant Classification Scheme 2023. Collection method: clinical testing. Allele origin: germline.
Comment: The p.D777N variant (also known as c.2329G>A), located in coding exon 18 of the FBN2 gene, results from a G to A substitution at nucleotide position 2329. The aspartic acid at codon 777 is replaced by asparagine, an amino acid with highly similar properties. This amino acid position is well conserved in available vertebrate species. In addition, this alteration is predicted to be tolerated by in silico analysis. Since supporting evidence is limited at this time, the clinical significance of this alteration remains unclear.